The following is an entry in ClinVar:

NM_000368.5(TSC1):c.1342C>T (p.Pro448Ser)

Gene: TSC1 (TSC complex subunit 1; minus strand). Cytogenetic location: 9q34.13.
Variant type: single nucleotide variant.
Coding change: c.1342C>T on transcript NM_000368.5 (MANE Select); coding-DNA position 1342, C replaced by T.
Protein change: p.Pro448Ser; replaces proline 448 with serine.
Molecular consequence: missense variant.
Genome position (GRCh38, 1-based): chr9:132,906,827, G>A on the plus strand (C>T on the coding strand, the complement: TSC1 is on the minus strand). VCF-style: chr9-132906827-G-A. GRCh37 (hg19) VCF-style: chr9-135782214-G-A.
Other names: p.P448S:CCT>TCT; c.1339C>T, p.Pro447Ser (NM_001162426.2); c.1189C>T, p.Pro397Ser (NM_001162427.2); c.979C>T, p.Pro327Ser (NM_001362177.2); short protein forms P448S, P447S, P327S, P397S.
Identifiers: ClinVar variation 48770 (VCV000048770.64), dbSNP rs118203518, ClinGen allele CA004689.

ClinVar aggregate classification (germline): Benign/Likely benign. Review status: criteria provided, multiple submitters, no conflicts (2 of 4 stars). 24 submissions from 22 submitters: Benign (13); Likely benign (6). 5 of the submissions do not count toward it. Last evaluated 2026-09-01.

Conditions:
Hereditary cancer-predisposing syndrome. Also called: Neoplastic Syndromes, Hereditary; Tumor predisposition; Hereditary Cancer Syndrome; Hereditary neoplastic syndrome. Identifiers: Orphanet 140162, MedGen C0027672, MeSH D009386, MONDO:0015356.
Isolated focal cortical dysplasia type II (FCORD2). Also called: Focal cortical dysplasia type II; CORTICAL DYSPLASIA OF TAYLOR. Identifiers: Orphanet 268994, MedGen C1846385, MONDO:0011818, OMIM 607341, HP:0032051.
Tuberous sclerosis syndrome (TSC). Also called: Tuberous Sclerosis Complex; Tuberous sclerosis. Identifiers: Orphanet 805, MedGen C0041341, MONDO:0001734.
Autism spectrum disorder. Also called: Autism spectrum disorders. Identifiers: MedGen C1510586, MeSH D000067877, MONDO:0005258.
Tuberous sclerosis 1 (TSC1). Identifiers: Orphanet 805, MedGen C1854465, MONDO:0008612, OMIM 191100.

Allele frequency attached by ClinVar (database versions not stated): gnomAD exomes 0.00086; ExAC 0.00104; gnomAD 0.00346 and 0.00372; ESP Exome Variant Server 0.00384; TOPMed 0.00388; 1000 Genomes Project 0.00419; 1000 Genomes Project 30x 0.00437.
gnomAD v4.1: 1,062 of 1,614,020 alleles (0.066%); highest among the groups gnomAD compares: African/African-American, 1.2%; 9 homozygotes.

Submissions (24):

CeGaT Center for Human Genetics Tuebingen
Classification: Likely benign. Last evaluated: 2026-09-01. Review status: criteria provided, single submitter. Criteria: CeGaT Center For Human Genetics Tuebingen Variant Classification Criteria Version 2. Collection method: clinical testing. Allele origin: germline. Affected: yes. Observed: 7 variant alleles.
Comment: TSC1: PP2, BP4, BS1

Labcorp Genetics (formerly Invitae), Labcorp
Classification: Benign for Tuberous sclerosis 1. Last evaluated: 2026-02-03. Review status: criteria provided, single submitter. Criteria: Invitae Variant Classification Sherloc (09022015). Collection method: clinical testing. Allele origin: germline.

Dasa
Classification: Benign. Last evaluated: 2025-11-10. Review status: criteria provided, single submitter. Criteria: DASA Assertion Criteria. Collection method: clinical testing. Allele origin: germline.
Comment: NM_000368.5(TSC1):c.1342C>T (p.Pro448Ser) is interpreted as benign based on a combination of available evidence, which may include population frequency, observations in unaffected individuals, intact protein function, lack of segregation with disease, in silico models, amino acid conservation, lack of disease association in case-control studies, and/or inconsistency with the known disease mechanism or impacted region. Based on the available data, this variant is classified as benign.

ARUP Laboratories, Molecular Genetics and Genomics, ARUP Laboratories
Classification: Likely benign. Last evaluated: 2025-06-16. Review status: criteria provided, single submitter. Criteria: ARUP Molecular Germline Variant Investigation Process 2024. Collection method: clinical testing. Allele origin: germline.

Mayo Clinic Laboratories, Mayo Clinic
Classification: Benign. Last evaluated: 2025-04-01. Review status: criteria provided, single submitter. Criteria: ACMG Guidelines, 2015. Collection method: clinical testing. Allele origin: germline. Observed: 6 variant alleles.
Comment: BA1, BP4_moderate

Blueprint Genetics
Classification: Likely benign. Last evaluated: 2024-10-29. Review status: criteria provided, single submitter. Criteria: ACMG Guidelines, 2015. Collection method: clinical testing. Allele origin: germline.

Myriad Genetics, Inc.
Classification: Benign for Tuberous sclerosis 1. Last evaluated: 2024-09-05. Review status: criteria provided, single submitter. Criteria: Myriad Autosomal Dominant, Autosomal Recessive and X-Linked Classification Criteria (2023). Collection method: clinical testing. Allele origin: unknown.
Comment: This variant is considered benign. Homozygosity has been confirmed in one or more individuals. As homozygosity for pathogenic variants in this gene is generally assumed to result in embryonic lethality, this variant is unlikely to be pathogenic. This variant has been observed at a population frequency that is significantly greater than expected given the associated disease prevalence and penetrance.

KCCC/NGS Laboratory, Kuwait Cancer Control Center
Classification: Benign for Tuberous sclerosis 1. Last evaluated: 2023-07-07. Review status: criteria provided, single submitter. Criteria: ACMG Guidelines, 2015. Collection method: clinical testing. Allele origin: germline. Affected: yes.

Color Diagnostics, LLC DBA Color Health
Classification: Benign for Tuberous sclerosis syndrome. Last evaluated: 2022-11-07. Review status: criteria provided, single submitter. Criteria: ACMG Guidelines, 2015. Collection method: clinical testing. Allele origin: germline.

Genome-Nilou Lab
Classification: Benign for Tuberous sclerosis 1. Last evaluated: 2021-11-07. Review status: criteria provided, single submitter. Criteria: ACMG Guidelines, 2015. Collection method: clinical testing. Allele origin: germline. Affected: no.

Genetic Services Laboratory, University of Chicago
Classification: Benign. Last evaluated: 2021-07-19. Review status: criteria provided, single submitter. Criteria: ACMG Guidelines, 2015. Collection method: clinical testing. Allele origin: germline. Affected: no.

Athena Diagnostics
Classification: Benign. Last evaluated: 2019-11-01. Review status: criteria provided, single submitter. Criteria: Athena Diagnostics Criteria. Collection method: clinical testing. Allele origin: unknown.

Quest Diagnostics Nichols Institute San Juan Capistrano
Classification: Benign. Last evaluated: 2019-11-01. Review status: criteria provided, single submitter. Criteria: Quest Diagnostics criteria. Collection method: clinical testing. Allele origin: unknown.

Illumina Laboratory Services, Illumina
Classification: Likely benign for Isolated focal cortical dysplasia type II. Last evaluated: 2018-02-02. Review status: criteria provided, single submitter. Criteria: ICSL Variant Classification Criteria 13 December 2019. Collection method: clinical testing. Allele origin: germline.
Comment: This variant was observed as part of a predisposition screen in an ostensibly healthy population. A literature search was performed for the gene, cDNA change, and amino acid change (where applicable). No publications were found based on this search. Allele frequency data from public databases allowed determination this variant is unlikely to cause disease. Therefore, this variant is classified as likely benign.

Illumina Laboratory Services, Illumina
Classification: Likely benign for Tuberous sclerosis 1. Last evaluated: 2018-02-02. Review status: criteria provided, single submitter. Criteria: ICSL Variant Classification Criteria 13 December 2019. Collection method: clinical testing. Allele origin: germline.
Comment: This variant was observed as part of a predisposition screen in an ostensibly healthy population. A literature search was performed for the gene, cDNA change, and amino acid change (where applicable). Publications were found based on this search. The evidence from the literature, in combination with allele frequency data from public databases where available, was sufficient to determine this variant is unlikely to cause disease. Therefore, this variant is classified as likely benign.

Ambry Genetics
Classification: Benign for Hereditary cancer-predisposing syndrome. Last evaluated: 2014-09-24. Review status: criteria provided, single submitter. Criteria: Ambry Variant Classification Scheme 2023. Collection method: clinical testing. Allele origin: germline.

GeneDx
Classification: Benign. Last evaluated: 2013-12-23. Review status: criteria provided, single submitter. Criteria: GeneDx Variant Classification (06012015). Collection method: clinical testing. Allele origin: germline. Affected: yes.
Comment: This variant is considered likely benign or benign based on one or more of the following criteria: it is a conservative change, it occurs at a poorly conserved position in the protein, it is predicted to be benign by multiple in silico algorithms, and/or has population frequency not consistent with disease.

Breakthrough Genomics
Classification: Likely benign. Review status: criteria provided, single submitter. Criteria: ACMG Guidelines, 2015. Collection method: not provided. Allele origin: germline. Inheritance: Autosomal dominant inheritance. Affected: yes.

PreventionGenetics, part of Exact Sciences
Classification: Benign. Review status: criteria provided, single submitter. Criteria: ACMG Guidelines, 2015. Collection method: clinical testing. Allele origin: germline.

ITMI
No classification provided. Condition: AllHighlyPenetrant. Last evaluated: 2013-09-19. Review status: no classification provided. Collection method: reference population. Allele origin: germline. Not counted in ClinVar's aggregate classification.
Comment: Please see associated publication for description of ethnicities

Clinical Genetics DNA and cytogenetics Diagnostics Lab, Erasmus MC, Erasmus Medical Center
Classification: Benign. Review status: no assertion criteria provided. Collection method: clinical testing. Allele origin: germline. Affected: yes. Study: VKGL Data-share Consensus. Not counted in ClinVar's aggregate classification.

Clinical Genetics, Academic Medical Center
Classification: Benign. Review status: no assertion criteria provided. Collection method: clinical testing. Allele origin: germline. Affected: yes. Study: VKGL Data-share Consensus. Not counted in ClinVar's aggregate classification.

Tuberous sclerosis database (TSC1)
No classification provided. Condition: TSC. Review status: no classification provided. Criteria: Tuberous Sclerosis Database Assertion Criteria 2015. Collection method: curation. Allele origin: germline. Affected: yes. Not counted in ClinVar's aggregate classification.

Tuberous sclerosis database (TSC1)
No classification provided. Condition: ASD. Review status: no classification provided. Criteria: Tuberous Sclerosis Database Assertion Criteria 2015. Collection method: curation. Allele origin: germline. Affected: yes. Not counted in ClinVar's aggregate classification.

Literature cited by the submitters: PubMed 22161988 (cited by 5 submitters); PubMed 23514105 (cited by 4 submitters); PubMed 24728327 (cited by 3 submitters); PubMed 22558107 (cited by Athena Diagnostics and Quest Diagnostics Nichols Institute San Juan Capistrano).